The following is an entry in ClinVar:

ClinVar aggregate classification (germline): Benign/Likely benign. Review status: criteria provided, multiple submitters, no conflicts (2 of 4 stars). 9 submissions from 9 submitters: Benign (2); Likely benign (6). 1 of the submissions does not count toward it. Last evaluated 2026-01-25.

Conditions:
BRIP1-related disorder. Also called: BRIP1-related condition; BRIP1-related disorders. Identifiers: MedGen CN239206.
Hereditary cancer-predisposing syndrome. Also called: Tumor predisposition; Neoplastic Syndromes, Hereditary; Hereditary neoplastic syndrome; Hereditary Cancer Syndrome. Identifiers: Orphanet 140162, MedGen C0027672, MeSH D009386, MONDO:0015356.
Fanconi anemia complementation group J. Also called: BRIP1-Related Fanconi Anemia. Identifiers: Orphanet 84, MedGen C1836860, MONDO:0012187, OMIM 609054.
Familial cancer of breast. Also called: BREAST CANCER, FAMILIAL; hereditary breast carcinoma; Hereditary breast cancer. Identifiers: Orphanet 227535, MedGen C0346153, MONDO:0016419, OMIM 114480. Disease mechanism: loss of function.

Allele frequency attached by ClinVar (database versions not stated): ExAC 0.00001; gnomAD exomes 0.00001 and 0.00004; gnomAD 0.00009 and 0.00011; TOPMed 0.00010; ESP Exome Variant Server 0.00015.
gnomAD v4.1: 35 of 1,613,888 alleles (0.0022%); highest among the groups gnomAD compares: African/African-American, 0.043%; no homozygotes.

Submissions (9):

Labcorp Genetics (formerly Invitae), Labcorp
Classification: Likely benign for Familial cancer of breast; Fanconi anemia complementation group J. Last evaluated: 2026-01-25. Review status: criteria provided, single submitter. Criteria: Invitae Variant Classification Sherloc (09022015). Collection method: clinical testing. Allele origin: germline.

Quest Diagnostics Nichols Institute San Juan Capistrano
Classification: Likely benign. Last evaluated: 2025-05-15. Review status: criteria provided, single submitter. Criteria: Quest Diagnostics criteria. Collection method: clinical testing. Allele origin: unknown.

Blueprint Genetics
Classification: Likely benign. Last evaluated: 2024-10-22. Review status: criteria provided, single submitter. Criteria: ACMG Guidelines, 2015. Collection method: clinical testing. Allele origin: germline.

Myriad Genetics, Inc.
Classification: Benign for Familial cancer of breast. Last evaluated: 2024-08-23. Review status: criteria provided, single submitter. Criteria: Myriad Autosomal Dominant, Autosomal Recessive and X-Linked Classification Criteria (2023). Collection method: clinical testing. Allele origin: unknown.
Comment: This variant is considered benign. This variant is a silent/synonymous amino acid change and it is not expected to impact splicing.

Sema4
Classification: Likely benign for Hereditary cancer-predisposing syndrome. Last evaluated: 2020-12-24. Review status: criteria provided, single submitter. Criteria: Sema4 Curation Guidelines. Collection method: curation. Allele origin: germline.

Color Diagnostics, LLC DBA Color Health
Classification: Likely benign for Hereditary cancer-predisposing syndrome. Last evaluated: 2017-07-31. Review status: criteria provided, single submitter. Criteria: ACMG Guidelines, 2015. Collection method: clinical testing. Allele origin: germline.

GeneDx
Classification: Benign. Last evaluated: 2015-03-03. Review status: criteria provided, single submitter. Criteria: GeneDx Variant Classification Process June 2021. Collection method: clinical testing. Allele origin: germline. Affected: yes.

Ambry Genetics
Classification: Likely benign for Hereditary cancer-predisposing syndrome. Last evaluated: 2014-10-21. Review status: criteria provided, single submitter. Criteria: Ambry Variant Classification Scheme 2023. Collection method: clinical testing. Allele origin: germline.

PreventionGenetics, part of Exact Sciences
Classification: Likely benign for BRIP1-related condition. Last evaluated: 2019-07-17. Review status: no assertion criteria provided. Collection method: clinical testing. Allele origin: germline. Not counted in ClinVar's aggregate classification.
Comment: This variant is classified as likely benign based on ACMG/AMP sequence variant interpretation guidelines (Richards et al. 2015 PMID: 25741868, with internal and published modifications).

NM_032043.3(BRIP1):c.1089C>T (p.Asp363=)

Gene: BRIP1 (BRCA1 interacting DNA helicase 1; minus strand). Cytogenetic location: 17q23.2.
Variant type: single nucleotide variant.
Coding change: c.1089C>T on transcript NM_032043.3 (MANE Select); coding-DNA position 1089, C replaced by T.
Protein change: p.Asp363=; no amino-acid change (aspartic acid 363 retained).
Molecular consequence: synonymous variant.
Genome position (GRCh38, 1-based): chr17:61,801,304, G>A on the plus strand (C>T on the coding strand, the complement: BRIP1 is on the minus strand). VCF-style: chr17-61801304-G-A. GRCh37 (hg19) VCF-style: chr17-59878665-G-A.
Identifiers: ClinVar variation 186933 (VCV000186933.29), dbSNP rs139701369, ClinGen allele CA196271.